The following is an entry in ClinVar:

ClinVar aggregate classification (germline): Benign/Likely benign. Review status: criteria provided, multiple submitters, no conflicts (2 of 4 stars). 4 submissions from 2 submitters: Benign (3); Likely benign (1). Last evaluated 2018-07-09.

Conditions:
Crigler-Najjar syndrome. Identifiers: Orphanet 205, MedGen C5551003, MONDO:0009044.
Lucey-Driscoll syndrome (HBLRTFN). Also called: Transient familial neonatal hyperbilirubinemia. Identifiers: Orphanet 2312, MedGen C0270210, MONDO:0009383, OMIM 237900.
Gilbert syndrome. Also called: HYPERBILIRUBINEMIA I; HYPERBILIRUBINEMIA, ARIAS TYPE; Gilbert Disease; Gilbert's syndrome; HYPERBILIRUBINEMIA, GILBERT TYPE. Identifiers: MedGen C0017551, MONDO:0007745, OMIM 143500.

Allele frequency attached by ClinVar (database versions not stated): TOPMed 0.72574; gnomAD 0.73663 and 0.74307; 1000 Genomes Project 30x 0.74297; 1000 Genomes Project 0.75240; gnomAD exomes 0.78886.
gnomAD v4.1: 1,055,817 of 1,348,090 alleles (78%); highest among the groups gnomAD compares: East Asian, 89%; 415,213 homozygotes.

Submissions (4):

GeneDx
Classification: Benign. Last evaluated: 2018-07-09. Review status: criteria provided, single submitter. Criteria: GeneDx Variant Classification Process June 2021. Collection method: clinical testing. Allele origin: germline. Affected: yes.

Illumina Laboratory Services, Illumina
Classification: Benign for Lucey-Driscoll syndrome. Last evaluated: 2018-01-13. Review status: criteria provided, single submitter. Criteria: ICSL Variant Classification Criteria 13 December 2019. Collection method: clinical testing. Allele origin: germline.
Comment: This variant was observed in the ICSL laboratory as part of a predisposition screen in an ostensibly healthy population. It had not been previously curated by ICSL or reported in the Human Gene Mutation Database (HGMD: prior to June 1st, 2018), and was therefore a candidate for classification through an automated scoring system. Utilizing variant allele frequency, disease prevalence and penetrance estimates, and inheritance mode, an automated score was calculated to assess if this variant is too frequent to cause the disease. Based on the score and internal cut-off values, a variant classified as benign is not then subjected to further curation. The score for this variant resulted in a classification of benign for this disease.

Illumina Laboratory Services, Illumina
Classification: Likely benign for Gilbert syndrome. Last evaluated: 2018-01-13. Review status: criteria provided, single submitter. Criteria: ICSL Variant Classification Criteria 13 December 2019. Collection method: clinical testing. Allele origin: germline.
Comment: This variant was observed in the ICSL laboratory as part of a predisposition screen in an ostensibly healthy population. It had not been previously curated by ICSL or reported in the Human Gene Mutation Database (HGMD: prior to June 1st, 2018), and was therefore a candidate for classification through an automated scoring system. Utilizing variant allele frequency, disease prevalence and penetrance estimates, and inheritance mode, an automated score was calculated to assess if this variant is too frequent to cause the disease. Based on the score and internal cut-off values, a variant classified as likely benign is not then subjected to further curation. The score for this variant resulted in a classification of likely benign for this disease.

Illumina Laboratory Services, Illumina
Classification: Benign for Crigler-Najjar syndrome. Last evaluated: 2018-01-13. Review status: criteria provided, single submitter. Criteria: ICSL Variant Classification Criteria 13 December 2019. Collection method: clinical testing. Allele origin: germline.
Comment: the same text as in the submission from Illumina Laboratory Services, Illumina above.

NM_000463.3(UGT1A1):c.*211T>C

Genes: UGT1A6 (UDP glucuronosyltransferase family 1 member A6; plus strand), UGT1A1 (UDP glucuronosyltransferase family 1 member A1; plus strand), UGT1A10 (UDP glucuronosyltransferase family 1 member A10; plus strand), UGT1A7 (UDP glucuronosyltransferase family 1 member A7; plus strand), UGT1A3 (UDP glucuronosyltransferase family 1 member A3; plus strand) and 5 more. Cytogenetic location: 2q37.1.
Variant type: single nucleotide variant.
Coding change: c.*211T>C on transcript NM_000463.3 (MANE Select); 211 bases downstream of the stop codon, T replaced by C.
Molecular consequence: 3 prime UTR variant.
Genome position (GRCh38, 1-based): chr2:233,772,770, T>C. VCF-style: chr2-233772770-T-C. GRCh37 (hg19) VCF-style: chr2-234681416-T-C.
Other names: c.*211T>C (NM_019075.4, NM_019076.5, NM_019077.3 and 6 more transcripts).
Identifiers: ClinVar variation 335084 (VCV000335084.8), dbSNP rs10929303, ClinGen allele CA10612823.